The following is an entry in ClinVar:

NM_173728.4(ARHGEF15):c.2153G>A (p.Arg718His)

Gene: ARHGEF15 (Rho guanine nucleotide exchange factor 15; plus strand). Cytogenetic location: 17p13.1.
Variant type: single nucleotide variant.
Coding change: c.2153G>A on transcript NM_173728.4 (MANE Select); coding-DNA position 2153, G replaced by A.
Protein change: p.Arg718His; replaces arginine 718 with histidine.
Molecular consequence: missense variant.
Genome position (GRCh38, 1-based): chr17:8,319,126, G>A. VCF-style: chr17-8319126-G-A. GRCh37 (hg19) VCF-style: chr17-8222444-G-A.
Other names: c.2153G>A, p.Arg718His (NM_025014.2); short protein forms R718H.
Identifiers: ClinVar variation 2395749 (VCV002395749.6), dbSNP rs762185999, ClinGen allele CA8375430.
Genomic context (GRCh38, chr17:8,319,126, plus strand): 5'-TTCCGGATCCATCTGGACCCCCTACCTTCCGCCTCTCCCTTCTCAGCAACCACCAGGGCC[G>A]CCCCACCCACCGACTACTCCAAGCTTCTTCCCTGTGAGTTGTGTTTCCCTCAGAAAACAA-3'
Protein context (NP_776089.2, residues 708-728): RLSLLSNHQG[Arg718His]PTHRLLQASS

ClinVar aggregate classification (germline): Uncertain significance. Review status: criteria provided, multiple submitters, no conflicts (2 of 4 stars). 2 submissions from 2 submitters: Uncertain significance (2). Last evaluated 2025-11-24.

Conditions:
Early-infantile DEE. Also called: Early infantile epileptic encephalopathy with suppression bursts; Early infantile epileptic encephalopathy; Ohtahara syndrome. Identifiers: Orphanet 1934, MedGen C0393706, MONDO:0800491.

Allele frequency attached by ClinVar (database versions not stated): gnomAD exomes 0.00002; gnomAD 0.00002; ExAC 0.00001; TOPMed 0.00002.
gnomAD v4.1: 35 of 1,613,718 alleles (0.0022%); highest among the groups gnomAD compares: African/African-American, 0.0053%; no homozygotes.

Submissions (2):

Ambry Genetics
Classification: Uncertain significance. Last evaluated: 2025-11-24. Review status: criteria provided, single submitter. Criteria: Ambry Variant Classification Scheme 2023. Collection method: clinical testing. Allele origin: germline.

Labcorp Genetics (formerly Invitae), Labcorp
Classification: Uncertain significance for Early-infantile DEE. Last evaluated: 2023-07-14. Review status: criteria provided, single submitter. Criteria: Invitae Variant Classification Sherloc (09022015). Collection method: clinical testing. Allele origin: germline.
Comment: In summary, the available evidence is currently insufficient to determine the role of this variant in disease. Therefore, it has been classified as a Variant of Uncertain Significance. An algorithm developed to predict the effect of missense changes on protein structure and function (PolyPhen-2) suggests that this variant is likely to be disruptive. ClinVar contains an entry for this variant (Variation ID: 2395749). This variant has not been reported in the literature in individuals affected with ARHGEF15-related conditions. This variant is present in population databases (rs762185999, gnomAD 0.007%). This sequence change replaces arginine, which is basic and polar, with histidine, which is basic and polar, at codon 718 of the ARHGEF15 protein (p.Arg718His).